The following is an entry in ClinVar:

NM_000059.4(BRCA2):c.1655C>T (p.Ser552Phe)

Gene: BRCA2 (BRCA2 DNA repair associated; plus strand). Cytogenetic location: 13q13.1.
Variant type: single nucleotide variant.
Coding change: c.1655C>T on transcript NM_000059.4 (MANE Select); coding-DNA position 1655, C replaced by T.
Protein change: p.Ser552Phe; replaces serine 552 with phenylalanine.
Molecular consequence: missense variant. On other transcripts: non-coding transcript variant (1), intron variant (1).
Genome position (GRCh38, 1-based): chr13:32,333,133, C>T. VCF-style: chr13-32333133-C-T. GRCh37 (hg19) VCF-style: chr13-32907270-C-T.
Other names: c.1655C>T, p.Ser552Phe (NM_001406719.1, NM_001406720.1, NM_001406721.1 and 1 more transcripts); c.424+2103C>T (NM_001406722.1); short protein forms S552F.
Identifiers: ClinVar variation 3894495 (VCV003894495.2).

ClinVar aggregate classification (germline): Uncertain significance. Review status: criteria provided, multiple submitters, no conflicts (2 of 4 stars). 2 submissions from 2 submitters: Uncertain significance (2). Last evaluated 2026-07-29.

Conditions:
Hereditary cancer-predisposing syndrome. Also called: Hereditary Cancer Syndrome; Hereditary neoplastic syndrome; Neoplastic Syndromes, Hereditary; Tumor predisposition. Identifiers: Orphanet 140162, MedGen C0027672, MeSH D009386, MONDO:0015356.

Submissions (2):

Ambry Genetics
Classification: Uncertain significance for Hereditary cancer-predisposing syndrome. Last evaluated: 2026-07-29. Review status: criteria provided, single submitter. Criteria: Ambry Variant Classification Scheme 2023. Collection method: clinical testing. Allele origin: germline.
Comment: The p.S552F variant (also known as c.1655C>T), located in coding exon 9 of the BRCA2 gene, results from a C to T substitution at nucleotide position 1655. The serine at codon 552 is replaced by phenylalanine, an amino acid with highly dissimilar properties. This amino acid position is not well conserved in available vertebrate species. In addition, this alteration is predicted to be tolerated by in silico analysis. Based on the available evidence, the clinical significance of this variant remains unclear.

Color Diagnostics, LLC DBA Color Health
Classification: Uncertain significance for Hereditary cancer-predisposing syndrome. Last evaluated: 2024-02-20. Review status: criteria provided, single submitter. Criteria: ACMG Guidelines, 2015. Collection method: clinical testing. Allele origin: germline.
Comment: This missense variant replaces serine with phenylalanine at codon 552 of the BRCA2 protein. Computational prediction suggests that this variant may not impact protein structure and function. To our knowledge, functional studies have not been reported for this variant. This variant has been reported in an individual affected with breast cancer (PMID: 25682074). This variant has not been identified in the general population by the Genome Aggregation Database (gnomAD). The available evidence is insufficient to determine the role of this variant in disease conclusively. Therefore, this variant is classified as a Variant of Uncertain Significance.

Literature cited by the submitters: PubMed 25682074 (cited by Color Diagnostics, LLC DBA Color Health).